The following is an entry in ClinVar:

NM_001378418.1(TCF20):c.5572T>C (p.Cys1858Arg)

Gene: TCF20 (transcription factor 20; minus strand). Cytogenetic location: 22q13.2.
Variant type: single nucleotide variant.
Coding change: c.5572T>C on transcript NM_001378418.1 (MANE Select); coding-DNA position 5572, T replaced by C.
Protein change: p.Cys1858Arg; replaces cysteine 1858 with arginine.
Molecular consequence: missense variant.
Genome position (GRCh38, 1-based): chr22:42,209,734, A>G on the plus strand (T>C on the coding strand, the complement: TCF20 is on the minus strand). VCF-style: chr22-42209734-A-G. GRCh37 (hg19) VCF-style: chr22-42605740-A-G.
Other names: c.5572T>C, p.Cys1858Arg (NM_005650.4, NM_181492.3); short protein forms C1858R.
Identifiers: ClinVar variation 4852788 (VCV004852788.1).

ClinVar aggregate classification (germline): Likely pathogenic (1 of 4 stars; one submission).

Conditions:
Developmental delay with variable intellectual impairment and behavioral abnormalities. Identifiers: MedGen C5193092, MONDO:0032745, OMIM 618430.

Submission:

Diagnostics Services (NGS), CSIR - Centre For Cellular And Molecular Biology
Classification: Likely pathogenic for Developmental delay with variable intellectual impairment and behavioral abnormalities. Last evaluated: 2026-05-07. Review status: criteria provided, single submitter. Criteria: ACMG Guidelines, 2015. Collection method: clinical testing. Allele origin: de novo. Affected: yes. Observed: 1 variant allele, 1 heterozygote.
Comment: The c.5572T>C variant is not present in publicly available population databases like 1000 Genomes, EVS, gnomAD, Indian Exome Database or our internal database. This variant has neither been reported in the literature in individuals affected with TCF20-related conditions nor reported to clinical databases like Human Genome Mutation Database (HGMD), ClinVar or OMIM, in any affected individuals. In-silico pathogenicity prediction programs like SIFT, Polyphen-2, MutationTaster2021, CADD, etc. predicted this variant to be likely deleterious, however these predictions were not confirmed by published functional studies.